The following is an entry in ClinVar:

ClinVar aggregate classification (germline): Likely benign. Review status: criteria provided, single submitter (1 of 4 stars). 2 submissions from 2 submitters: Likely benign (1). 1 of the submissions does not count toward it. Last evaluated 2025-11-16.

Conditions:
STRA6-related disorder. Also called: STRA6-related condition.
Microphthalmia, syndromic 9. Also called: ANOPHTHALMIA, CLINICAL, WITH MILD FACIAL DYSMORPHISM AND VARIABLE MALFORMATIONS OF THE LUNG, HEART, AND DIAPHRAGM; ANOPHTHALMIA/MICROPHTHALMIA AND PULMONARY HYPOPLASIA; PULMONARY AGENESIS, MICROPHTHALMIA, AND DIAPHRAGMATIC DEFECT; SPEAR SYNDROME; Matthew-Wood syndrome. Identifiers: Orphanet 2470, MedGen C1832661, MONDO:0011010, OMIM 601186.

Allele frequency attached by ClinVar (database versions not stated): TOPMed 0.00033; ExAC 0.00001; gnomAD exomes 0.00001 and 0.00002; 1000 Genomes Project 30x 0.00016; gnomAD 0.00017; 1000 Genomes Project 0.00020.
gnomAD v4.1: 43 of 1,613,956 alleles (0.0027%); highest among the groups gnomAD compares: Admixed American, 0.052%; 1 homozygote.

Submissions (2):

Labcorp Genetics (formerly Invitae), Labcorp
Classification: Likely benign for Microphthalmia, syndromic 9. Last evaluated: 2025-11-16. Review status: criteria provided, single submitter. Criteria: Invitae Variant Classification Sherloc (09022015). Collection method: clinical testing. Allele origin: germline.

PreventionGenetics, part of Exact Sciences
Classification: Likely benign for STRA6-related condition. Last evaluated: 2021-05-04. Review status: no assertion criteria provided. Collection method: clinical testing. Allele origin: germline. Not counted in ClinVar's aggregate classification.
Comment: This variant is classified as likely benign based on ACMG/AMP sequence variant interpretation guidelines (Richards et al. 2015 PMID: 25741868, with internal and published modifications).

NM_022369.4(STRA6):c.645C>A (p.Gly215=)

Gene: STRA6 (signaling receptor and transporter of retinol STRA6; minus strand). Cytogenetic location: 15q24.1.
Variant type: single nucleotide variant.
Coding change: c.645C>A on transcript NM_022369.4 (MANE Select); coding-DNA position 645, C replaced by A.
Protein change: p.Gly215=; no amino-acid change (glycine 215 retained).
Molecular consequence: synonymous variant.
Genome position (GRCh38, 1-based): chr15:74,193,875, G>T on the plus strand (C>A on the coding strand, the complement: STRA6 is on the minus strand). VCF-style: chr15-74193875-G-T. GRCh37 (hg19) VCF-style: chr15-74486216-G-T.
Other names: c.645C>A, p.Gly215= (NM_001142617.2, NM_001142618.2); c.618C>A, p.Gly206= (NM_001142619.2); c.756C>A, p.Gly252= (NM_001199040.2); c.690C>A, p.Gly230= (NM_001199041.2); c.762C>A, p.Gly254= (NM_001199042.2).
Identifiers: ClinVar variation 718211 (VCV000718211.7), dbSNP rs565497999, ClinGen allele CA7654911.
Genomic context (GRCh38, chr15:74,193,875, plus strand): 5'-TGTCCTACGGCTGAAGCTTCTCACCAGCTGCACAGGGTACCAAAGGCTCAGGAATCCGAG[G>T]CCCAGCAGGAGAGGCAGGGAGGCCAGCAGGGAGTAGTACTTGTAGATCTGGACAGACAAA-3'
Protein context (NP_071764.3, residues 205-225): SLLASLPLLL[Gly215=]LGFLSLWYPV